The following is an entry in ClinVar:

ClinVar aggregate classification (germline): Pathogenic. Review status: reviewed by expert panel (3 of 4 stars). 14 submissions from 13 submitters: Pathogenic (1). 13 of the submissions do not count toward it. Last evaluated 2017-03-17.

Conditions:
CFTR-related disorder (CFTR-RD). Also called: CFTR-related disorders; CFTR-related condition. Identifiers: MedGen C5924204, MONDO:7770004.
Congenital bilateral aplasia of vas deferens from CFTR mutation (CBAVD). Identifiers: Orphanet 48, MedGen C0403814, MONDO:0010178, OMIM 277180. Disease mechanism: loss of function.
Cystic fibrosis (CF). Also called: MUCOVISCIDOSIS. Identifiers: Orphanet 586, MedGen C0010674, MONDO:0009061, OMIM 219700. Disease mechanism: loss of function.
Bronchiectasis with or without elevated sweat chloride 1 (BESC1). Also called: Cystic Fibrosis-Like Syndrome. Identifiers: Orphanet 60033, MedGen C2749757, MONDO:0008887, OMIM 211400.

Allele frequency attached by ClinVar (database versions not stated): TOPMed below 0.00001; gnomAD 0.00001.

Submissions (14):

CFTR2
Classification: Pathogenic for Cystic fibrosis. Last evaluated: 2017-03-17. Review status: reviewed by expert panel. Criteria: Sosnay PR et al. (Nat Genet 2013). Collection method: research. Allele origin: germline. Affected: yes. Study: CFTR2.

Labcorp Genetics (formerly Invitae), Labcorp
Classification: Pathogenic for Cystic fibrosis. Last evaluated: 2026-01-19. Review status: criteria provided, single submitter. Criteria: Invitae Variant Classification Sherloc (09022015). Collection method: clinical testing. Allele origin: germline. Not counted in ClinVar's aggregate classification.
Comment: This sequence change falls in intron 5 of the CFTR gene. It does not directly change the encoded amino acid sequence of the CFTR protein. RNA analysis indicates that this variant induces altered splicing and likely results in a shortened protein product. This variant is not present in population databases (gnomAD no frequency). This variant has been observed in individuals with cystic fibrosis (PMID: 21779199, 23974870, 25553309, 30811104). This variant is also known as 711+5G>A. ClinVar contains an entry for this variant (Variation ID: 54012). Variants that disrupt the consensus splice site are a relatively common cause of aberrant splicing (PMID: 17576681, 9536098). Studies have shown that this variant results in skipping of exon 5, but is expected to preserve the integrity of the reading-frame (PMID: 32935393). For these reasons, this variant has been classified as Pathogenic.

GeneDx
Classification: Likely pathogenic. Last evaluated: 2025-09-30. Review status: criteria provided, single submitter. Criteria: GeneDx Variant Classification Process June 2021. Collection method: clinical testing. Allele origin: germline. Affected: yes. Not counted in ClinVar's aggregate classification.
Comment: Published functional studies demonstrate a damaging effect with this variant resulting in aberrant splicing (PMID: 23974870); Not observed at significant frequency in large population cohorts (Database of Genomic Variants); Has been reported in multiple unrelated patients with CFTR-related phenotypes although detailed clinical information, segregation information, or presence of a second variant was not specified in some reports (PMID: 29983195, 31136843, 30811104); This variant is associated with the following publications: (PMID: 7526928, 21779199, 8968585, 33085659, 32935393, 30811104, 37834063, 22975760, 32185651, 34874053, 31136843, 40065563, 18456578, 25553309, 31036917, 29983195, 23974870)

Natera, Inc.
Classification: Pathogenic for CFTR-related disorders. Last evaluated: 2025-08-07. Review status: criteria provided, single submitter. Criteria: Natera Variant Classification Schema (03/2026). Collection method: clinical testing. Allele origin: germline. Not counted in ClinVar's aggregate classification.
Comment: The c.579+5G>A variant in CFTR is an intronic variant located outside the canonical splice sites. This variant is rare in the general population with a frequency below the threshold expected for the associated phenotype(s). This variant has been observed in one or more individuals affected with the associated recessive disease, as either homozygous or compound heterozygous with a second variant (PMID: 15176679, 7535742, 33247946). Given the available evidence, this variant is classified as Pathogenic.

CeGaT Center for Human Genetics Tuebingen
Classification: Pathogenic. Last evaluated: 2025-05-01. Review status: criteria provided, single submitter. Criteria: CeGaT Center For Human Genetics Tuebingen Variant Classification Criteria Version 2. Collection method: clinical testing. Allele origin: germline. Affected: yes. Observed: 1 variant allele. Not counted in ClinVar's aggregate classification.
Comment: CFTR: PM3:Very Strong, PVS1:Strong, PM2

Dasa
Classification: Pathogenic. Last evaluated: 2024-09-26. Review status: criteria provided, single submitter. Criteria: DASA Assertion Criteria. Collection method: clinical testing. Allele origin: germline. Not counted in ClinVar's aggregate classification.
Comment: NM_000492.4(CFTR):c.579+5G>A is a splice-region variant predicted to affect normal RNA splicing. Functional evidence supports a deleterious effect on the gene or gene product (PMID: 21779199; PMID: 30811104; PMID: 24586523; PMID: 25674778; PMID: 32935393). This variant has been recurrently observed in individuals with related phenotype (PMID: 21779199; PMID: 30811104; PMID: 24586523; PMID: 25674778; PMID: 32935393). Multiple computational predictions support a deleterious effect on the gene or gene product. Based on the available data, this variant is classified as pathogenic.

Baylor Genetics
Classification: Pathogenic for Bronchiectasis with or without elevated sweat chloride 1. Last evaluated: 2023-09-03. Review status: criteria provided, single submitter. Criteria: ACMG Guidelines, 2015. Collection method: clinical testing. Allele origin: unknown. Not counted in ClinVar's aggregate classification.

Institute of Human Genetics, University of Leipzig Medical Center
Classification: Pathogenic for Cystic fibrosis. Last evaluated: 2022-09-05. Review status: criteria provided, single submitter. Criteria: ACMG Guidelines, 2015. Collection method: curation. Allele origin: unknown. Affected: yes. Observed: 1 variant allele. Not counted in ClinVar's aggregate classification.
Comment: The variant was classified in the context of a project re-classifying variants in the German Cystic Fibrosis Registry (Muko.e.V.). Criteria applied: PS1_SUP, PS3_SUP, PM2_SUP, PM3_VSTR, PM4_STR, PP3, PP4

Women's Health and Genetics/Laboratory Corporation of America, LabCorp
Classification: Pathogenic for Cystic fibrosis. Last evaluated: 2022-03-09. Review status: criteria provided, single submitter. Criteria: LabCorp Variant Classification Summary - May 2015. Collection method: clinical testing. Allele origin: germline. Not counted in ClinVar's aggregate classification.
Comment: Variant summary: CFTR c.579+5G>A alters a conserved nucleotide located close to a canonical splice site and therefore could affect mRNA splicing, leading to a significantly altered protein sequence. Several computational tools predict a significant impact on normal splicing: Four predict the variant abolishes a 5' splicing donor site. These predictions have been confirmed by experimental evidence showing the variant results in induced severe exon 5 skipping (Donega_2020). The variant was absent in 249772 control chromosomes. c.579+5G>A has been reported in the literature in numerous individuals affected with Cystic Fibrosis (e.g. Sosnay_2013). Five clinical diagnostic laboratories have submitted clinical-significance assessments for this variant to ClinVar after 2014 without evidence for independent evaluation. All laboratories classified the variant as pathogenic. Based on the evidence outlined above, the variant was classified as pathogenic.

Myriad Genetics, Inc.
Classification: Pathogenic for Cystic fibrosis. Last evaluated: 2019-12-07. Review status: criteria provided, single submitter. Criteria: Myriad Women's Health Autosomal Recessive and X-Linked Classification Criteria (2019). Collection method: clinical testing. Allele origin: unknown. Not counted in ClinVar's aggregate classification.
Comment: NM_000492.3(CFTR):c.579+5G>A(aka 711+5G>A) is classified as pathogenic in the context of cystic fibrosis. Sources cited for classification include the following: PMID 23974870. Classification of NM_000492.3(CFTR):c.579+5G>A(aka 711+5G>A) is based on the following criteria: This is a well-established pathogenic variant in the literature that has been observed more frequently in patients with clinical diagnoses than in healthy populations. Please note: this variant was assessed in the context of healthy population screening.

Mendelics
Classification: Pathogenic for Cystic fibrosis. Last evaluated: 2018-11-05. Review status: criteria provided, single submitter. Criteria: Mendelics Assertion Criteria 2017. Collection method: clinical testing. Allele origin: unknown. Affected: yes. Not counted in ClinVar's aggregate classification.

CFTR-France
Classification: Pathogenic for cystic fibrosis. Last evaluated: 2018-01-29. Review status: criteria provided, single submitter. Criteria: Claustres M et al. (Hum Mutat 2017). Collection method: curation. Allele origin: germline. Affected: yes. Not counted in ClinVar's aggregate classification.

Ambry Genetics
Classification: Pathogenic for Cystic fibrosis. Last evaluated: 2015-11-17. Review status: criteria provided, single submitter. Criteria: Ambry Variant Classification Scheme 2023. Collection method: clinical testing. Allele origin: germline. Not counted in ClinVar's aggregate classification.
Comment: The c.579+5G>A intronic variant (also known as c.711+5G>A) results from a G to A substitution 5 nucleotides after coding exon 5 in the CFTR gene. This variant was reported in 6 out of 225 CF chromosomes in an Italian cohort of individuals with classic disease and not in any normal chromosomes. However, the number of normal chromosomes was not disclosed (Bisceglia L et al. Hum Mutat. 1994;4(2):136-140). This mutation is associated with elevated sweat chloride levels, lung disease, and pancreatic insufficiency; an in vitro functional study showed this mutation resulted in significantly reduced mean chloride conductance (Sosnay PR et al. Nat Genet. 2013;45(10):1160-7, Supplementary Table and The Clinical and Functional Translation of CFTR (CFTR2); available at CFTR2. Accessed March 16, 2015). Based on the supporting evidence, c.579+5G>A is interpreted as a disease-causing mutation.

Baylor Genetics
Classification: Pathogenic for Congenital bilateral aplasia of vas deferens from CFTR mutation; Cystic fibrosis. Review status: criteria provided, single submitter. Criteria: ACMG Guidelines, 2015. Collection method: clinical testing. Allele origin: germline. Not counted in ClinVar's aggregate classification.

Literature cited by the submitters: PubMed 21779199 (cited by 3 submitters); PubMed 23974870 (cited by 3 submitters); PubMed 25553309 (cited by Labcorp Genetics (formerly Invitae), Labcorp); PubMed 30811104 (cited by Labcorp Genetics (formerly Invitae), Labcorp and Dasa); PubMed 17576681 (cited by Labcorp Genetics (formerly Invitae), Labcorp); PubMed 9536098 (cited by Labcorp Genetics (formerly Invitae), Labcorp); PubMed 32935393 (cited by 3 submitters); PubMed 15176679 (cited by Natera, Inc.); PubMed 7535742 (cited by Natera, Inc.); PubMed 33247946 (cited by Natera, Inc.); PubMed 24586523 (cited by Dasa); PubMed 25674778 (cited by Dasa); PubMed 16051530 (cited by Ambry Genetics); PubMed 7526928 (cited by Ambry Genetics).

NM_000492.4(CFTR):c.579+5G>A

Gene: CFTR (CF transmembrane conductance regulator; plus strand). Cytogenetic location: 7q31.2.
Variant type: single nucleotide variant.
Coding change: c.579+5G>A on transcript NM_000492.4 (MANE Select); 5 bases into the intron after coding-DNA position 579, G replaced by A.
Molecular consequence: intron variant.
Genome position (GRCh38, 1-based): chr7:117,534,370, G>A. VCF-style: chr7-117534370-G-A. GRCh37 (hg19) VCF-style: chr7-117174424-G-A.
Other names: 711+5G->A.
Identifiers: ClinVar variation 54012 (VCV000054012.34), dbSNP rs78440224, ClinGen allele CA328127.
Genomic context (GRCh38, chr7:117,534,370, plus strand): 5'-TAAGTATTGGACAACTTGTTAGTCTCCTTTCCAACAACCTGAACAAATTTGATGAAGTAT[G>A]TACCTATTGATTTAATCTTTTAGGCACTATTGTTATAAATTATACAACTGGAAAGGCGGA-3'